The following is an entry in ClinVar:

ClinVar aggregate classification (germline): Uncertain significance (1 of 4 stars; one submission).

Submission:

Women's Health and Genetics/Laboratory Corporation of America, LabCorp
Classification: Uncertain significance. Last evaluated: 2025-05-12. Review status: criteria provided, single submitter. Criteria: LabCorp Variant Classification Summary - May 2015. Collection method: clinical testing. Allele origin: germline.
Comment: Variant summary: TRAF7 c.968C>T (p.Ser323Leu) results in a non-conservative amino acid change in the encoded protein sequence. Algorithms developed to predict the effect of missense changes on protein structure and function are either unavailable or do not agree on the potential impact of this missense change. The variant allele was found at a frequency of 4e-06 in 251032 control chromosomes. The available data on variant occurrences in the general population are insufficient to allow any conclusion about variant significance. To our knowledge, no occurrence of c.968C>T in individuals affected with Cardiac, Facial, And Digital Anomalies With Developmental Delay and no experimental evidence demonstrating its impact on protein function have been reported. No submitters have cited clinical-significance assessments for this variant to ClinVar. Based on the evidence outlined above, the variant was classified as uncertain significance.

NM_032271.3(TRAF7):c.968C>T (p.Ser323Leu)

Gene: TRAF7 (TNF receptor associated factor 7; plus strand). Cytogenetic location: 16p13.3.
Variant type: single nucleotide variant.
Coding change: c.968C>T on transcript NM_032271.3 (MANE Select); coding-DNA position 968, C replaced by T.
Protein change: p.Ser323Leu; replaces serine 323 with leucine.
Molecular consequence: missense variant.
Genome position (GRCh38, 1-based): chr16:2,173,355, C>T. VCF-style: chr16-2173355-C-T. GRCh37 (hg19) VCF-style: chr16-2223356-C-T.
Other names: short protein forms S323L.
Identifiers: ClinVar variation 3902329 (VCV003902329.1).